The following is an entry in ClinVar:

NM_017534.6(MYH2):c.4187+6T>C

Genes: MYH2 (myosin heavy chain 2; minus strand), MYHAS (myosin heavy chain gene cluster antisense RNA; plus strand). Cytogenetic location: 17p13.1.
Variant type: single nucleotide variant.
Coding change: c.4187+6T>C on transcript NM_017534.6 (MANE Select); 6 bases into the intron after coding-DNA position 4187, T replaced by C.
Molecular consequence: intron variant.
Genome position (GRCh38, 1-based): chr17:10,526,593, A>G on the plus strand (T>C on the coding strand, the complement: MYH2 is on the minus strand). VCF-style: chr17-10526593-A-G. GRCh37 (hg19) VCF-style: chr17-10429910-A-G.
Other names: c.4187+6T>C (NM_001100112.2).
Identifiers: ClinVar variation 1435306 (VCV001435306.6), dbSNP rs748256368, ClinGen allele CA8390710.

ClinVar aggregate classification (germline): Uncertain significance (1 of 4 stars; one submission).

Conditions:
Myopathy, proximal, and ophthalmoplegia (CMYO6). Also called: CONGENITAL MYOPATHY 6 WITH OPHTHALMOPLEGIA; MYOPATHY WITH CONGENITAL JOINT CONTRACTURES, OPHTHALMOPLEGIA, AND RIMMED VACUOLES; INCLUSION BODY MYOPATHY 3, AUTOSOMAL DOMINANT. Identifiers: Orphanet 363677, Orphanet 79091, MedGen C1854106, MONDO:0011577, OMIM 605637.

Allele frequency attached by ClinVar (database versions not stated): TOPMed below 0.00001.
gnomAD v4.1: 8 of 1,614,000 alleles (0.0005%); highest among the groups gnomAD compares: Admixed American, 0.01%; no homozygotes.

Submission:

Labcorp Genetics (formerly Invitae), Labcorp
Classification: Uncertain significance for Myopathy, proximal, and ophthalmoplegia. Last evaluated: 2025-11-23. Review status: criteria provided, single submitter. Criteria: Invitae Variant Classification Sherloc (09022015). Collection method: clinical testing. Allele origin: germline.
Comment: This sequence change falls in intron 30 of the MYH2 gene. It does not directly change the encoded amino acid sequence of the MYH2 protein. It affects a nucleotide within the consensus splice site. This variant is present in population databases (rs748256368, gnomAD 0.01%). This variant has not been reported in the literature in individuals affected with MYH2-related conditions. ClinVar contains an entry for this variant (Variation ID: 1435306). Variants that disrupt the consensus splice site are a relatively common cause of aberrant splicing (PMID: 17576681, 9536098). Algorithms developed to predict the effect of sequence changes on RNA splicing suggest that this variant may disrupt the consensus splice site. In summary, the available evidence is currently insufficient to determine the role of this variant in disease. Therefore, it has been classified as a Variant of Uncertain Significance.

Literature cited by the submitters: PubMed 17576681; PubMed 9536098.